The following is an entry in ClinVar:

NM_001042492.3(NF1):c.2821A>T (p.Ile941Phe)

Gene: NF1 (neurofibromin 1; plus strand). Cytogenetic location: 17q11.2.
Variant type: single nucleotide variant.
Coding change: c.2821A>T on transcript NM_001042492.3 (MANE Select); coding-DNA position 2821, A replaced by T.
Protein change: p.Ile941Phe; replaces isoleucine 941 with phenylalanine.
Molecular consequence: missense variant.
Genome position (GRCh38, 1-based): chr17:31,229,436, A>T. VCF-style: chr17-31229436-A-T. GRCh37 (hg19) VCF-style: chr17-29556454-A-T.
Other names: c.2821A>T, p.Ile941Phe (NM_000267.4); short protein forms I941F.
Identifiers: ClinVar variation 2118387 (VCV002118387.5), dbSNP rs876659888, ClinGen allele CA398985790.

ClinVar aggregate classification (germline): Uncertain significance. Review status: criteria provided, multiple submitters, no conflicts (2 of 4 stars). 2 submissions from 2 submitters: Uncertain significance (2). Last evaluated 2025-05-07.

Conditions:
Neurofibromatosis, type 1 (NF1). Also called: NEUROFIBROMATOSIS, TYPE I, SOMATIC; Neurofibromatosis, type I; Peripheral type neurofibromatosis; VON RECKLINGHAUSEN DISEASE. Identifiers: Orphanet 636, MedGen C0027831, MONDO:0018975, OMIM 162200. Disease mechanism: loss of function.
Cardiovascular phenotype. Identifiers: MedGen CN230736.
Hereditary cancer-predisposing syndrome. Also called: Tumor predisposition; Hereditary Cancer Syndrome; Neoplastic Syndromes, Hereditary; Hereditary neoplastic syndrome. Identifiers: Orphanet 140162, MedGen C0027672, MeSH D009386, MONDO:0015356.

gnomAD v4.1: 1 of 1,613,916 alleles (0.000062%); highest among the groups gnomAD compares: Non-Finnish European, 0.000085%; no homozygotes.

Submissions (2):

Ambry Genetics
Classification: Uncertain significance for Cardiovascular phenotype; Hereditary cancer-predisposing syndrome. Last evaluated: 2025-05-07. Review status: criteria provided, single submitter. Criteria: Ambry Variant Classification Scheme 2023. Collection method: clinical testing. Allele origin: germline.
Comment: The p.I941F variant (also known as c.2821A>T), located in coding exon 21 of the NF1 gene, results from an A to T substitution at nucleotide position 2821. The isoleucine at codon 941 is replaced by phenylalanine, an amino acid with highly similar properties. This amino acid position is highly conserved in available vertebrate species. In addition, this alteration is predicted to be deleterious by in silico analysis. Based on the available evidence, the clinical significance of this variant remains unclear.

Labcorp Genetics (formerly Invitae), Labcorp
Classification: Uncertain significance for Neurofibromatosis, type 1. Last evaluated: 2023-04-07. Review status: criteria provided, single submitter. Criteria: Invitae Variant Classification Sherloc (09022015). Collection method: clinical testing. Allele origin: germline.
Comment: This sequence change replaces isoleucine, which is neutral and non-polar, with phenylalanine, which is neutral and non-polar, at codon 941 of the NF1 protein (p.Ile941Phe). This variant is not present in population databases (gnomAD no frequency). This variant has not been reported in the literature in individuals affected with NF1-related conditions. ClinVar contains an entry for this variant (Variation ID: 2118387). Advanced modeling of protein sequence and biophysical properties (such as structural, functional, and spatial information, amino acid conservation, physicochemical variation, residue mobility, and thermodynamic stability) performed at Invitae indicates that this missense variant is expected to disrupt NF1 protein function. In summary, the available evidence is currently insufficient to determine the role of this variant in disease. Therefore, it has been classified as a Variant of Uncertain Significance.